The following is an entry in ClinVar:

ClinVar aggregate classification (germline): Uncertain significance (1 of 4 stars; one submission).

Allele frequency attached by ClinVar (database versions not stated): TOPMed 0.00002; gnomAD 0.00003.
gnomAD v4.1: 28 of 1,613,672 alleles (0.0017%); highest among the groups gnomAD compares: Admixed American, 0.0083%; no homozygotes.

Submission:

Labcorp Genetics (formerly Invitae), Labcorp
Classification: Uncertain significance. Last evaluated: 2025-03-17. Review status: criteria provided, single submitter. Criteria: Invitae Variant Classification Sherloc (09022015). Collection method: clinical testing. Allele origin: germline.
Comment: This sequence change replaces arginine, which is basic and polar, with histidine, which is basic and polar, at codon 376 of the CCT2 protein (p.Arg376His). This variant is present in population databases (rs773803414, gnomAD 0.009%). This variant has not been reported in the literature in individuals affected with CCT2-related conditions. ClinVar contains an entry for this variant (Variation ID: 1481432). An algorithm developed to predict the effect of missense changes on protein structure and function (PolyPhen-2) suggests that this variant is likely to be disruptive. In summary, the available evidence is currently insufficient to determine the role of this variant in disease. Therefore, it has been classified as a Variant of Uncertain Significance.

NM_006431.3(CCT2):c.1127G>A (p.Arg376His)

Gene: CCT2 (chaperonin containing TCP1 subunit 2; plus strand). Cytogenetic location: 12q15.
Variant type: single nucleotide variant.
Coding change: c.1127G>A on transcript NM_006431.3 (MANE Select); coding-DNA position 1127, G replaced by A.
Protein change: p.Arg376His; replaces arginine 376 with histidine.
Molecular consequence: missense variant.
Genome position (GRCh38, 1-based): chr12:69,597,662, G>A. VCF-style: chr12-69597662-G-A. GRCh37 (hg19) VCF-style: chr12-69991442-G-A.
Other names: c.986G>A, p.Arg329His (NM_001198842.2); short protein forms R376H, R329H.
Identifiers: ClinVar variation 1481432 (VCV001481432.6), dbSNP rs773803414, ClinGen allele CA6680785.